The following is an entry in ClinVar:

NM_000466.3(PEX1):c.1801A>T (p.Lys601Ter)

Gene: PEX1 (peroxisomal biogenesis factor 1; minus strand). Cytogenetic location: 7q21.2.
Variant type: single nucleotide variant.
Coding change: c.1801A>T on transcript NM_000466.3 (MANE Select); coding-DNA position 1801, A replaced by T.
Protein change: p.Lys601Ter; replaces lysine 601 with a stop codon.
Molecular consequence: nonsense.
Genome position (GRCh38, 1-based): chr7:92,506,996, T>A on the plus strand (A>T on the coding strand, the complement: PEX1 is on the minus strand). VCF-style: chr7-92506996-T-A. GRCh37 (hg19) VCF-style: chr7-92136310-T-A.
Other names: c.1801A>T, p.Lys601Ter (NM_001282677.2); c.1177A>T, p.Lys393Ter (NM_001282678.2); short protein forms K393*, K601*.
Identifiers: ClinVar variation 1726968 (VCV001726968.3), dbSNP rs2484676110, ClinGen allele CA368187112.

ClinVar aggregate classification (germline): Likely pathogenic (1 of 4 stars; one submission).

Conditions:
Peroxisome biogenesis disorder. Identifiers: Orphanet 79189, MedGen C1832200, MONDO:0019234. Disease mechanism: loss of function.

Submission:

Myriad Genetics, Inc.
Classification: Likely pathogenic for Peroxisome biogenesis disorder. Last evaluated: 2022-01-02. Review status: criteria provided, single submitter. Criteria: Myriad Autosomal Dominant, Autosomal Recessive and X-Linked Classification Criteria (2023). Collection method: clinical testing. Allele origin: unknown.
Comment: NM_000466.2(PEX1):c.1801A>T(K601*) is expected to be pathogenic in the context of peroxisome biogenesis disorder type 1. This variant is predicted to lead to an abnormal or absent protein product due to the creation of a premature termination codon in PEX1, a gene where loss-of-function variants are known to be pathogenic. Please note: this variant was assessed in the context of healthy population screening.